The following is an entry in ClinVar:

NM_022168.4(IFIH1):c.2831A>T (p.Asn944Ile)

Gene: IFIH1 (interferon induced with helicase C domain 1; minus strand). Cytogenetic location: 2q24.2.
Variant type: single nucleotide variant.
Coding change: c.2831A>T on transcript NM_022168.4 (MANE Select); coding-DNA position 2831, A replaced by T.
Protein change: p.Asn944Ile; replaces asparagine 944 with isoleucine.
Molecular consequence: missense variant.
Genome position (GRCh38, 1-based): chr2:162,267,546, T>A on the plus strand (A>T on the coding strand, the complement: IFIH1 is on the minus strand). VCF-style: chr2-162267546-T-A. GRCh37 (hg19) VCF-style: chr2-163124056-T-A.
Other names: c.2831A>T, p.Asn944Ile (LRG_1235t1); c.2831A>T (NM_022168.2); short protein forms N944I.
Identifiers: ClinVar variation 665367 (VCV000665367.9), dbSNP rs1322389017, ClinGen allele CA348989942.
Genomic context (GRCh38, chr2:162,267,546, plus strand): 5'-CATTTGCAGATGATTTCACCATTTATTTGATAGTCGGCACACTTCTTTTGCAGTGCTTTG[T>A]TTTCTCTTACAATGTAAAGTTCCCTATAAGTATCAAAGGGAAAGAATCATCATGGAGAAC-3'
Protein context (NP_071451.2, residues 934-954): EFKELYIVRE[Asn944Ile]KALQKKCADY

ClinVar aggregate classification (germline): Uncertain significance. Review status: criteria provided, multiple submitters, no conflicts (2 of 4 stars). 2 submissions from 2 submitters: Uncertain significance (2). Last evaluated 2025-11-02.

Conditions:
Inborn genetic diseases. Identifiers: MedGen C0950123, MeSH D030342.
Singleton-Merten syndrome 1 (SGMRT1). Also called: Widened medullary cavities of bone, aortic calcification, abnormal dentition, and muscular weakness; Syndrome of widened medullary cavities of the metacarpals and phalanges, aortic calcification and abnormal dentition. Identifiers: Orphanet 85191, MedGen C4225427, MONDO:0024535, OMIM 182250.
Aicardi-Goutieres syndrome 7 (AGS7). Identifiers: Orphanet 51, MedGen C3888244, MONDO:0014367, OMIM 615846.

Allele frequency attached by ClinVar (database versions not stated): gnomAD 0.00001; gnomAD exomes 0.00001; TOPMed 0.00001.
gnomAD v4.1: 19 of 1,612,074 alleles (0.0012%); highest among the groups gnomAD compares: East Asian, 0.0022%; no homozygotes.

Submissions (2):

Ambry Genetics
Classification: Uncertain significance for Inborn genetic diseases. Last evaluated: 2025-11-02. Review status: criteria provided, single submitter. Criteria: Ambry Variant Classification Scheme 2023. Collection method: clinical testing. Allele origin: germline.

Labcorp Genetics (formerly Invitae), Labcorp
Classification: Uncertain significance for Aicardi-Goutieres syndrome 7; Singleton-Merten syndrome 1. Last evaluated: 2024-10-16. Review status: criteria provided, single submitter. Criteria: Invitae Variant Classification Sherloc (09022015). Collection method: clinical testing. Allele origin: germline.
Comment: This sequence change replaces asparagine, which is neutral and polar, with isoleucine, which is neutral and non-polar, at codon 944 of the IFIH1 protein (p.Asn944Ile). This variant is present in population databases (no rsID available, gnomAD 0.006%). This variant has not been reported in the literature in individuals affected with IFIH1-related conditions. This missense change has been observed in at least one individual who was not affected with IFIH1-related conditions (internal data). ClinVar contains an entry for this variant (Variation ID: 665367). Invitae Evidence Modeling of protein sequence and biophysical properties (such as structural, functional, and spatial information, amino acid conservation, physicochemical variation, residue mobility, and thermodynamic stability) has been performed for this missense variant. However, the output from this modeling did not meet the statistical confidence thresholds required to predict the impact of this variant on IFIH1 protein function. In summary, the available evidence is currently insufficient to determine the role of this variant in disease. Therefore, it has been classified as a Variant of Uncertain Significance.